The following is an entry in ClinVar:

NM_199420.4(POLQ):c.7090G>A (p.Ala2364Thr)

Gene: POLQ (DNA polymerase theta; minus strand). Cytogenetic location: 3q13.33.
Variant type: single nucleotide variant.
Coding change: c.7090G>A on transcript NM_199420.4 (MANE Select); coding-DNA position 7090, G replaced by A.
Protein change: p.Ala2364Thr; replaces alanine 2364 with threonine.
Molecular consequence: missense variant.
Genome position (GRCh38, 1-based): chr3:121,460,112, C>T on the plus strand (G>A on the coding strand, the complement: POLQ is on the minus strand). VCF-style: chr3-121460112-C-T. GRCh37 (hg19) VCF-style: chr3-121178959-C-T.
Other names: short protein forms A2364T.
Identifiers: ClinVar variation 1757103 (VCV001757103.2), dbSNP rs2047779609, ClinGen allele CA354107001.

ClinVar aggregate classification (germline): Uncertain significance (1 of 4 stars; one submission).

Allele frequency attached by ClinVar (database versions not stated): gnomAD 0.00001.
gnomAD v4.1: 1 of 1,613,962 alleles (0.000062%); highest among the groups gnomAD compares: Non-Finnish European, 0.000085%; no homozygotes.

Submission:

Ambry Genetics
Classification: Uncertain significance. Last evaluated: 2022-05-23. Review status: criteria provided, single submitter. Criteria: Ambry Variant Classification Scheme 2023. Collection method: clinical testing. Allele origin: germline.
Comment: The p.A2364T variant (also known as c.7090G>A), located in coding exon 25 of the POLQ gene, results from a G to A substitution at nucleotide position 7090. The alanine at codon 2364 is replaced by threonine, an amino acid with similar properties. This amino acid position is conserved. In addition, this alteration is predicted to be deleterious by in silico analysis. Since supporting evidence is limited at this time, the clinical significance of this alteration remains unclear.